The following is an entry in ClinVar:

NC_000017.10:g.(?_57697255)_(57697535_57721636)dup

Gene: CLTC (clathrin heavy chain; plus strand). Cytogenetic location: 17q23.1.
Variant type: Duplication.
Identifiers: ClinVar variation 4537335 (VCV004537335.1).

ClinVar aggregate classification (germline): Uncertain significance (1 of 4 stars; one submission).

Submission:

Women's Health and Genetics/Laboratory Corporation of America, LabCorp
Classification: Uncertain significance. Last evaluated: 2025-11-18. Review status: criteria provided, single submitter. Criteria: LabCorp Variant Classification Summary - May 2015. Collection method: clinical testing. Allele origin: germline.
Comment: Variant summary: The variant involves the duplication of exons 1 in the CLTC gene. A presumed nomenclature of c.(?_-238)_(42+1_43-1)dup has been designated for the purposes of this classification. The exact breakpoint at the 5' end of this variant is unknown, therefore this duplication may extend upstream of the annotated region of this gene. It is predicted to duplicate a segment including the initiation codon, therefore its impact on the encoded protein is unknown. A duplication of the first exon of CLTC was found at a frequency of 0.00094 in 21360 control chromosomes. This frequency is not significantly higher than estimated for disease-causing variants in CLTC, allowing no conclusion about variant significance. To our knowledge, no occurrence of c.(?_-238)_(42+1_43-1)dup in individuals affected with CLTC-related conditions and no experimental evidence demonstrating its impact on protein function have been reported. No submitters have cited clinical-significance assessments for this variant to ClinVar. Based on the evidence outlined above, the variant was classified as uncertain significance.